The following is an entry in ClinVar:

NM_001190.4(BCAT2):c.934C>T (p.Arg312Trp)

Gene: BCAT2 (branched chain amino acid transaminase 2; minus strand). Cytogenetic location: 19q13.33.
Variant type: single nucleotide variant.
Coding change: c.934C>T on transcript NM_001190.4 (MANE Select); coding-DNA position 934, C replaced by T.
Protein change: p.Arg312Trp; replaces arginine 312 with tryptophan.
Molecular consequence: missense variant.
Genome position (GRCh38, 1-based): chr19:48,796,709, G>A on the plus strand (C>T on the coding strand, the complement: BCAT2 is on the minus strand). VCF-style: chr19-48796709-G-A. GRCh37 (hg19) VCF-style: chr19-49299966-G-A.
Other names: c.658C>T, p.Arg220Trp (NM_001164773.2); c.814C>T, p.Arg272Trp (NM_001284325.2); short protein forms R312W, R220W, R272W.
Identifiers: ClinVar variation 1911116 (VCV001911116.5), dbSNP rs1213912704, ClinGen allele CA406720756.

ClinVar aggregate classification (germline): Uncertain significance (1 of 4 stars; one submission).

Allele frequency attached by ClinVar (database versions not stated): gnomAD exomes 0.00001; TOPMed 0.00002; gnomAD 0.00001.
gnomAD v4.1: 12 of 1,611,470 alleles (0.00074%); highest among the groups gnomAD compares: East Asian, 0.0022%; no homozygotes.

Submission:

Labcorp Genetics (formerly Invitae), Labcorp
Classification: Uncertain significance. Last evaluated: 2023-08-04. Review status: criteria provided, single submitter. Criteria: Invitae Variant Classification Sherloc (09022015). Collection method: clinical testing. Allele origin: germline.
Comment: This sequence change replaces arginine, which is basic and polar, with tryptophan, which is neutral and slightly polar, at codon 312 of the BCAT2 protein (p.Arg312Trp). This variant is present in population databases (no rsID available, gnomAD 0.003%). This variant has not been reported in the literature in individuals affected with BCAT2-related conditions. ClinVar contains an entry for this variant (Variation ID: 1911116). Advanced modeling of protein sequence and biophysical properties (such as structural, functional, and spatial information, amino acid conservation, physicochemical variation, residue mobility, and thermodynamic stability) has been performed at Invitae for this missense variant, however the output from this modeling did not meet the statistical confidence thresholds required to predict the impact of this variant on BCAT2 protein function. In summary, the available evidence is currently insufficient to determine the role of this variant in disease. Therefore, it has been classified as a Variant of Uncertain Significance.